The following is an entry in ClinVar:

NM_001257180.2(SLC20A2):c.935-3C>G

Gene: SLC20A2 (solute carrier family 20 member 2; minus strand). Cytogenetic location: 8p11.21.
Variant type: single nucleotide variant.
Coding change: c.935-3C>G on transcript NM_001257180.2 (MANE Select); 3 bases into the intron before coding-DNA position 935, C replaced by G.
Molecular consequence: intron variant.
Genome position (GRCh38, 1-based): chr8:42,437,580, G>C on the plus strand (C>G on the coding strand, the complement: SLC20A2 is on the minus strand). VCF-style: chr8-42437580-G-C. GRCh37 (hg19) VCF-style: chr8-42295098-G-C.
Other names: c.935-3C>G (NM_006749.5, NM_001257181.2).
Identifiers: ClinVar variation 1334838 (VCV001334838.10), dbSNP rs2131008814, ClinGen allele CA2573053020.

ClinVar aggregate classification (germline): Conflicting classifications of pathogenicity. Review status: criteria provided, conflicting classifications (1 of 4 stars). 3 submissions from 3 submitters: Likely pathogenic (1); Uncertain significance (2). Last evaluated 2024-06-13.

Conditions:
Inborn genetic diseases. Identifiers: MedGen C0950123, MeSH D030342.

Submissions (3):

Ambry Genetics
Classification: Likely pathogenic for Inborn genetic diseases. Last evaluated: 2024-06-13. Review status: criteria provided, single submitter. Criteria: Ambry Variant Classification Scheme 2023. Collection method: clinical testing. Allele origin: germline.
Comment: The c.935-3C>G intronic alteration results from a C to G substitution 3 nucleotides before exon 8 (coding exon 7) of the SLC20A2 gene. This variant was not reported in population-based cohorts in the Genome Aggregation Database (gnomAD). This nucleotide position is well conserved in available vertebrate species. RNA studies have demonstrated that this alteration results in abnormal splicing in the set of samples tested (Ambry internal data). In silico splice site analysis predicts that this alteration will weaken the native splice acceptor site. Based on the available evidence, this alteration is classified as likely pathogenic.

Labcorp Genetics (formerly Invitae), Labcorp
Classification: Uncertain significance. Last evaluated: 2022-09-25. Review status: criteria provided, single submitter. Criteria: Invitae Variant Classification Sherloc (09022015). Collection method: clinical testing. Allele origin: germline.
Comment: This sequence change falls in intron 7 of the SLC20A2 gene. It does not directly change the encoded amino acid sequence of the SLC20A2 protein. It affects a nucleotide within the consensus splice site. This variant is not present in population databases (gnomAD no frequency). This variant has not been reported in the literature in individuals affected with SLC20A2-related conditions. ClinVar contains an entry for this variant (Variation ID: 1334838). Variants that disrupt the consensus splice site are a relatively common cause of aberrant splicing (PMID: 17576681, 9536098). Algorithms developed to predict the effect of sequence changes on RNA splicing suggest that this variant may disrupt the consensus splice site. In summary, the available evidence is currently insufficient to determine the role of this variant in disease. Therefore, it has been classified as a Variant of Uncertain Significance.

Genetic Services Laboratory, University of Chicago
Classification: Uncertain significance. Last evaluated: 2017-11-27. Review status: criteria provided, single submitter. Criteria: ACMG Guidelines, 2015. Collection method: clinical testing. Allele origin: germline. Affected: no.

Literature cited by the submitters: PubMed 17576681 (cited by Labcorp Genetics (formerly Invitae), Labcorp); PubMed 9536098 (cited by Labcorp Genetics (formerly Invitae), Labcorp).